The following continues an entry in ClinVar:

NM_000157.4(GBA1):c.1226A>G (p.Asn409Ser)

ClinVar aggregate classification (germline): Pathogenic/Likely pathogenic; risk factor. Pathogenic (49); Likely pathogenic (4).

Submissions 21 to 34 of 63:

Clinical Genomics Laboratory, Washington University in St. Louis
Classification: Likely pathogenic for Lewy body dementia; Parkinson disease, late-onset. Last evaluated: 2023-11-08. Review status: criteria provided, single submitter. Criteria: ACMG Guidelines, 2015. Collection method: clinical testing. Allele origin: germline. Affected: yes.
Comment: The GBA c.1226A>G (p.Asn409Ser) variant, historically described as p.Asn370Ser, is associated in the heterozygous state with increased risk for late-onset Parkinson‚Äôs disease and dementia with Lewy bodies with an odds ratio reported to be around 3.08-3.96 (Mata IF et al., PMID: 18332251; Neumann J et al., PMID: 19286695; Sidransky E et al., PMID: 19846850; Zhao F et al., 26868973). The highest population minor allele frequency in the population database genome aggregation database (v.2.1.1) is 2.7% in Ashkenazi Jewish population. Functional studies show reduced enzyme activity and increased levels of alpha-synuclein protein, indicating that this variant impacts protein function (Fernandes HJR et al., PMID: 26905200; Woodard CM et al., PMID: 25456120). Computational predictors indicate that the variant is damaging, evidence that correlates with impact to GBA function. This variant has been reported in the ClinVar database as a pathogenic variant by six submitters, likely pathogenic by one submitter and a risk factor by one submitter for late-onset Parkinson‚Äôs disease. Based on available information and the ACMG/AMP guidelines for variant interpretation (Richards S et al., PMID: 25741868), this variant is classified as likely pathogenic.

Department of Pathology and Laboratory Medicine, Sinai Health System
Classification: Pathogenic for Gaucher disease. Last evaluated: 2023-08-17. Review status: criteria provided, single submitter. Criteria: ACMG Guidelines, 2015. Collection method: research. Allele origin: germline.

Molecular Genetics, Royal Melbourne Hospital
Classification: Pathogenic for Gaucher disease. Last evaluated: 2023-03-30. Review status: criteria provided, single submitter. Criteria: ACMG Guidelines, 2015. Collection method: clinical testing. Allele origin: germline. Affected: no.
Comment: This sequence change in GBA is predicted to replace asparagine with serine at codon 409, p.(Asn409Ser) (also known as Asn370Ser or N370S). The asparagine residue is moderately conserved (100 vertebrates, UCSC), and is located in the glycosyl hydrolase family 30 TIM-barrel domain. There is a small physicochemical difference between asparagine and serine. The highest population minor allele frequency in gnomAD v2.1 is 2.7% (279/10,368 alleles, 2 homozygotes) in the Ashkenazi Jewish population, while the highest continental population minor allele frequency in gnomAD v2.1 is 0.2% (264/129,124 alleles, 2 homozygotes) in the European (non-Finnish) population. This variant is the most common allele reported in individuals with Gaucher disease, identified in both homozygous and compound heterozygous states (PMID: 11025794). Carriers of the variant have been found to have an increased risk of Parkinson's disease and Lewy body dementia (PMID: 18332251, 19286695, 20947659, 23588557, 33209983). At least one patient with this variant displayed deficient glucocerebrosidase (glucosylceramidase) enzyme activity in fibroblasts, which is highly specific for Gaucher disease (PMID: 8294487, 15826241). Reduced enzyme activity and abnormal protein function has also been demonstrated in heterologous expression systems indicating that this variant impacts protein function (PMID: 8294487, 22160715). Multiple lines of computational evidence have conflicting predictions for the missense substitution (3/6 algorithms predict deleterious). Based on the classification scheme RMH Modified ACMG Guidelines v1.5.1, this variant is classified as PATHOGENIC. Following criteria are met: PM3_VeryStrong, PS3_Supporting, PP4.

Mendelics
Classification: Pathogenic for Lewy body dementia. Last evaluated: 2022-05-04. Review status: criteria provided, single submitter. Criteria: Mendelics Assertion Criteria 2019. Collection method: clinical testing. Allele origin: germline.

Dasa
Classification: Likely pathogenic for Gaucher disease type I. Last evaluated: 2022-03-25. Review status: criteria provided, single submitter. Criteria: ACMG Guidelines, 2015. Collection method: clinical testing. Allele origin: germline. Affected: yes. Observed: 1 variant allele.
Comment: Well-established in vitro or in vivo functional studies supportive of a damaging effect on the gene or gene product (PMID: 15826241; 16293621; 15605411) - PS3_moderate. The c.1226A>G;p.(Asn409Ser) missense change has been observed in affected individual(s) and ClinVar contains an entry for this variant (ClinVar ID: 4290; PMID: 26096741; PMID: 28779532; PMID: 25249066; PMID: 23676350) -PS4. The variant is located in a mutational hot spot - PM1. Missense variant in GBA that has a low rate of benign missense variation and in which missense variants are a common mechanism of disease - PP2. In summary, the currently available evidence indicates that the variant is likely pathogenic

AiLife Diagnostics
Classification: Pathogenic. Last evaluated: 2022-03-23. Review status: criteria provided, single submitter. Criteria: ACMG Guidelines, 2015. Collection method: clinical testing. Allele origin: germline. Affected: yes. Observed: 8 variant alleles.

Fulgent Genetics
Classification: Pathogenic for Lewy body dementia; Parkinson disease, late-onset; Gaucher disease type I; Gaucher disease type II; Gaucher disease type III; Gaucher disease-ophthalmoplegia-cardiovascular calcification syndrome; Gaucher disease perinatal lethal. Last evaluated: 2022-02-20. Review status: criteria provided, single submitter. Criteria: ACMG Guidelines, 2015. Collection method: clinical testing. Allele origin: unknown.

Illumina Laboratory Services, Illumina
Classification: Pathogenic for Gaucher disease type I. Last evaluated: 2021-10-05. Review status: criteria provided, single submitter. Criteria: ICSLVariantClassificationCriteria RUGD 01 April 2020. Collection method: clinical testing. Allele origin: unknown.
Comment: The GBA c.1226A>G (p.Asn409Ser) missense variant, also described in the literature as p.Asn370Ser or N370S, is a well-established pathogenic variant associated with Gaucher disease, type 1, with an increased prevalence in the affected Ashkenazi Jewish population. The variant accounts for approximately 77% of GBA variant alleles in the ICGG Gaucher registry cohort (Koprivica et al. 2000; Fairley et al. 2008; Grabowski et al. 2015; Pastores et al. 2018). Individuals who are homozygous for the p.Asn409Ser variant tend to have milder disease than those who are compound heterozygous, but the phenotype is variable and some may present with a moderate to severe disease phenotype (Fairly et al. 2008; Taddei et al. 2009). Additionally, two large meta-analyses (Mao et al. 2013; Gan-Or et al. 2015) and a multi-center case control study (Sidransky et al. 2009) have reported an increased risk of developing Parkinson disease in heterozygous carriers of the p.Asn409Ser variant. The p.Asn409Ser variant is reported at a frequency of 0.029120 in the Ashkenazi Jewish population of the Genome Aggregation Database (version 3.1.1), including three homozygous individuals in the Total population. This allele frequency is high but consistent with the carrier frequency in this population and variable phenotypic manifestations in homozygous individuals (Pastores et al. 2018). In vitro functional studies have demonstrated reduced enzymatic activity for p.Asn409Ser compared to wild-type protein (Montfort et al. 2004; Malini et al. 2014). Based on the evidence, the p.Asn409Ser variant is classified as pathogenic for Gaucher disease.

Institute of Medical Genetics and Applied Genomics, University Hospital Tübingen
Classification: Pathogenic. Last evaluated: 2021-09-15. Review status: criteria provided, single submitter. Criteria: ACMG Guidelines, 2015. Collection method: clinical testing. Allele origin: germline. Inheritance: Autosomal recessive inheritance. Affected: yes.

Fulgent Genetics
Classification: Pathogenic for Parkinson disease, late-onset. Last evaluated: 2021-05-03. Review status: criteria provided, single submitter. Criteria: ACMG Guidelines, 2015. Collection method: clinical testing. Allele origin: germline. Affected: yes.

CENTOGENE GmbH and LLC - Guiding Precision Medicine
Classification: Pathogenic for Gaucher disease type I. Last evaluated: 2021-03-08. Review status: criteria provided, single submitter. Criteria: ACMG Guidelines, 2015. Collection method: clinical testing. Allele origin: germline. Affected: yes.

Johns Hopkins Genomics, Johns Hopkins University
Classification: Pathogenic for Gaucher disease type I. Last evaluated: 2020-10-15. Review status: criteria provided, single submitter. Criteria: ACMG Guidelines, 2015. Collection method: clinical testing. Allele origin: germline.
Comment: GBA c.1226A>G has been reported as the most common disease-causing variant in Gaucher disease, particularly among Ashkenazi Jewish patients. Numerous functional studies have demonstrated that this variant causes reduced enzyme activity compared to wild-type protein. This GBA variant (rs76763715) reaches polymorphic frequency (>1%) within the Ashkenazi Jewish subpopulation in a large population dataset (gnomAD: 279/10368 alleles; 2.7%, 2 homozygotes). This variant has been reported in ClinVar. We consider this variant to be pathogenic.

Institute of Human Genetics Munich, TUM University Hospital
Classification: Pathogenic for Parkinson disease, late-onset. Last evaluated: 2020-09-29. Review status: criteria provided, single submitter. Criteria: Classification criteria August 2017. Collection method: clinical testing. Allele origin: germline. Inheritance: Autosomal dominant inheritance. Affected: yes. Observed: 1 variant allele.

Laboratory for Molecular Medicine, Mass General Brigham Personalized Medicine
Classification: Pathogenic for Gaucher disease type I. Last evaluated: 2020-06-24. Review status: criteria provided, single submitter. Criteria: LMM Criteria. Collection method: clinical testing. Allele origin: germline. Inheritance: Autosomal recessive inheritance. Observed: 4 variant alleles.
Comment: The p.Asn409Ser variant in GBA (previously known as p.Asn370Ser) is a well-established pathogenic variant for Gaucher disease (GD) type 1. It accounts for >50% of all pathogenic alleles identified in Caucasian patients with GD type 1 and has been associated with a milder course of disease without primary neurological disease (Koprivika 2000 PMID: 10796875, Erdos 2007 PMID: 17395504, Grabowski 2015 PMID: 26096741). It has also been reported by other clinical laboratories in ClinVar (Variation ID 4290). This variant has been detected in 2.7% (276/10150) of Ashkenazi Jewish chromosomes, including 2 homozygotes, and 2% (255/126662) of European chromosomes, including 2 homozygotes, by the Genome Aggregation Database (gnomAD). In summary, this variant is pathogenic for GD type I in an autosomal recessive manner. ACMG/AMP Criteria applied: PM3_Strong, PP1_Strong.